The following is an entry in ClinVar:

ClinVar aggregate classification (germline): Uncertain significance (1 of 4 stars; one submission).

gnomAD v4.1: 12 of 1,614,018 alleles (0.00074%); highest among the groups gnomAD compares: Admixed American, 0.0067%; no homozygotes.

Submission:

Women's Health and Genetics/Laboratory Corporation of America, LabCorp
Classification: Uncertain significance. Last evaluated: 2024-05-16. Review status: criteria provided, single submitter. Criteria: LabCorp Variant Classification Summary - May 2015. Collection method: clinical testing. Allele origin: germline.
Comment: Variant summary: MYF6 c.94C>T (p.Pro32Ser) results in a non-conservative amino acid change located in the Myogenic muscle-specific protein, N-terminal (IPR002546) of the encoded protein sequence. Three of five in-silico tools predict a damaging effect of the variant on protein function. The variant allele was found at a frequency of 8e-06 in 251482 control chromosomes. The available data on variant occurrences in the general population are insufficient to allow any conclusion about variant significance. To our knowledge, no occurrence of c.94C>T in individuals affected with MYF6-Related Disorders and no experimental evidence demonstrating its impact on protein function have been reported. No submitters have cited clinical-significance assessments for this variant to ClinVar. Based on the evidence outlined above, the variant was classified as uncertain significance.

NM_002469.3(MYF6):c.94C>T (p.Pro32Ser)

Gene: MYF6 (myogenic factor 6; plus strand). Cytogenetic location: 12q21.31.
Variant type: single nucleotide variant.
Coding change: c.94C>T on transcript NM_002469.3 (MANE Select); coding-DNA position 94, C replaced by T.
Protein change: p.Pro32Ser; replaces proline 32 with serine.
Molecular consequence: missense variant.
Genome position (GRCh38, 1-based): chr12:80,707,813, C>T. VCF-style: chr12-80707813-C-T. GRCh37 (hg19) VCF-style: chr12-81101592-C-T.
Other names: short protein forms P32S.
Identifiers: ClinVar variation 3336539 (VCV003336539.1).